The following is an entry in ClinVar:

ClinVar aggregate classification (germline): Uncertain significance. Review status: criteria provided, multiple submitters, no conflicts (2 of 4 stars). 7 submissions from 7 submitters: Uncertain significance (7). Last evaluated 2026-08-06.

Conditions:
Autoimmune lymphoproliferative syndrome type 2B. Also called: AUTOIMMUNE LYMPHOPROLIFERATIVE SYNDROME, TYPE IIB. Identifiers: Orphanet 275517, MedGen C1846545, MONDO:0011804, OMIM 607271.

Allele frequency attached by ClinVar (database versions not stated): gnomAD exomes 0.00034 and 0.00063; gnomAD 0.00019 and 0.00020; TOPMed 0.00020; ExAC 0.00033; ESP Exome Variant Server 0.00054.

Submissions (7):

OLLIN Analises Genomicas, OLLIN
Classification: Uncertain significance for Autoimmune lymphoproliferative syndrome type 2B. Last evaluated: 2026-08-06. Review status: criteria provided, single submitter. Criteria: ACMG Guidelines 2015 PMID 25741868. Collection method: clinical testing. Allele origin: germline. Inheritance: Autosomal recessive inheritance.
Comment: This missense variant, located in exon 4 (of 9), has been reported in ClinVar (accession VCV000333500.16) and in gnomAD with an allele frequency of 0.0605%. However, to our knowledge, it has not been reported in the scientific literature. In silico analysis predicts that this variant has a tolerated effect. According to the currently available evidence, this variant has been classified as uncertain significance (PM2_P, BP4).

Labcorp Genetics (formerly Invitae), Labcorp
Classification: Uncertain significance for Autoimmune lymphoproliferative syndrome type 2B. Last evaluated: 2026-01-21. Review status: criteria provided, single submitter. Criteria: Invitae Variant Classification Sherloc (09022015). Collection method: clinical testing. Allele origin: germline.
Comment: This sequence change replaces lysine, which is basic and polar, with arginine, which is basic and polar, at codon 180 of the CASP8 protein (p.Lys180Arg). This variant is present in population databases (rs148697064, gnomAD 0.06%). This variant has not been reported in the literature in individuals affected with CASP8-related conditions. ClinVar contains an entry for this variant (Variation ID: 333500). Invitae Evidence Modeling of protein sequence and biophysical properties (such as structural, functional, and spatial information, amino acid conservation, physicochemical variation, residue mobility, and thermodynamic stability) indicates that this missense variant is not expected to disrupt CASP8 protein function with a negative predictive value of 80%. In summary, the available evidence is currently insufficient to determine the role of this variant in disease. Therefore, it has been classified as a Variant of Uncertain Significance.

Blueprint Genetics
Classification: Uncertain significance. Last evaluated: 2024-09-03. Review status: criteria provided, single submitter. Criteria: ACMG Guidelines, 2015. Collection method: clinical testing. Allele origin: germline.

Mayo Clinic Laboratories, Mayo Clinic
Classification: Uncertain significance. Last evaluated: 2024-06-24. Review status: criteria provided, single submitter. Criteria: ACMG Guidelines, 2015. Collection method: clinical testing. Allele origin: germline. Observed: 1 variant allele.

New York Genome Center
Classification: Uncertain significance for Autoimmune lymphoproliferative syndrome type 2B. Last evaluated: 2020-06-19. Review status: criteria provided, single submitter. Criteria: NYGC Assertion Criteria 2020. Collection method: clinical testing. Allele origin: inherited. Observed: 1 compound heterozygote. Study: CSER-NYCKidSeq.
Comment: The inherited p.Lys148Arg missense variant substitutes Lysine residue with an Arginine residue at position 148 of the CASP8 protein. The affected residue is evolutionarily conserved. The p.Lys148Arg variant is predicteddeleterious bymultiple in silico prediction tools. The variant has been reported in ClinVar database as a variant of uncertain significance (variation ID: 333500). The p.Lys148Arg variant has 0.0001814 allele frequency in the gnomAD(v3)database (26 out of 143,314 heterozygous alleles, no homozygotes) indicating it is a rare allele in the general population. Based on the available evidence, the inherited p.Lys148Arg missense variant identified in CASP8 gene is assessed as a variant of uncertain significance.

Baylor Genetics
Classification: Uncertain significance for Autoimmune lymphoproliferative syndrome type 2B. Last evaluated: 2018-02-09. Review status: criteria provided, single submitter. Criteria: ACMG Guidelines, 2015. Collection method: clinical testing. Allele origin: maternal. Affected: yes.
Comment: This variant was determined to be of uncertain significance according to ACMG Guidelines, 2015 [PMID:25741868].

Illumina Laboratory Services, Illumina
Classification: Uncertain significance for Autoimmune lymphoproliferative syndrome type 2B. Last evaluated: 2018-01-13. Review status: criteria provided, single submitter. Criteria: ICSL Variant Classification Criteria 13 December 2019. Collection method: clinical testing. Allele origin: germline.

NM_001372051.1(CASP8):c.443A>G (p.Lys148Arg)

Gene: CASP8 (caspase 8; plus strand). Cytogenetic location: 2q33.1.
Variant type: single nucleotide variant.
Coding change: c.443A>G on transcript NM_001372051.1 (MANE Select); coding-DNA position 443, A replaced by G.
Protein change: p.Lys148Arg; replaces lysine 148 with arginine.
Molecular consequence: missense variant. On other transcripts: non-coding transcript variant (22), 5 prime UTR variant (11).
Genome position (GRCh38, 1-based): chr2:201,272,669, A>G. VCF-style: chr2-201272669-A-G. GRCh37 (hg19) VCF-style: chr2-202137392-A-G.
Other names: p.Lys180Arg; c.443A>G, p.Lys148Arg (NM_001080124.2, NM_001400645.1, NM_001400648.1 and 20 more transcripts); c.620A>G, p.Lys207Arg (NM_001080125.2, NM_001400642.1, NM_001400665.1); c.539A>G, p.Lys180Arg (NM_001228.5); c.-90A>G (NM_001400675.1, NM_001400676.1, NM_001400677.1 and 6 more transcripts); c.-169A>G (NM_001400680.1); c.134A>G, p.Lys45Arg (NM_001400669.1); c.-271A>G (NM_001400674.1); short protein forms K148R, K180R, K207R, K45R.
Identifiers: ClinVar variation 333500 (VCV000333500.18), dbSNP rs148697064, ClinGen allele CA2053560.